The following is an entry in ClinVar:

ClinVar aggregate classification (germline): Likely benign. Review status: criteria provided, multiple submitters, no conflicts (2 of 4 stars). 2 submissions from 2 submitters: Likely benign (2). Last evaluated 2025-07-29.

Conditions:
BAP1-related tumor predisposition syndrome (TPDS1). Also called: BAP1 tumor predisposition syndrome; COMMON Syndrome; TUMOR PREDISPOSITION SYNDROME 1; Tumor susceptibility linked to germline BAP1 mutations. Identifiers: Orphanet 289539, MedGen C3280492, MONDO:0013692, OMIM 614327.

gnomAD v4.1: 1 of 1,612,496 alleles (0.000062%); highest among the groups gnomAD compares: Non-Finnish European, 0.000085%; no homozygotes.

Submissions (2):

Labcorp Genetics (formerly Invitae), Labcorp
Classification: Likely benign for BAP1-related tumor predisposition syndrome. Last evaluated: 2025-07-29. Review status: criteria provided, single submitter. Criteria: Invitae Variant Classification Sherloc (09022015). Collection method: clinical testing. Allele origin: germline.

Myriad Genetics, Inc.
Classification: Likely benign for BAP1-related tumor predisposition syndrome. Last evaluated: 2024-07-11. Review status: criteria provided, single submitter. Criteria: Myriad Autosomal Dominant, Autosomal Recessive and X-Linked Classification Criteria (2023). Collection method: clinical testing. Allele origin: unknown.
Comment: This variant is considered likely benign. This variant is intronic and is not expected to impact mRNA splicing.

NM_004656.4(BAP1):c.37+8G>A

Gene: BAP1 (BRCA1 associated deubiquitinase 1; minus strand). Cytogenetic location: 3p21.1.
Variant type: single nucleotide variant.
Coding change: c.37+8G>A on transcript NM_004656.4 (MANE Select); 8 bases into the intron after coding-DNA position 37, G replaced by A.
Molecular consequence: intron variant.
Genome position (GRCh38, 1-based): chr3:52,409,834, C>T on the plus strand (G>A on the coding strand, the complement: BAP1 is on the minus strand). VCF-style: chr3-52409834-C-T. GRCh37 (hg19) VCF-style: chr3-52443850-C-T.
Identifiers: ClinVar variation 1577863 (VCV001577863.9), dbSNP rs2153228677, ClinGen allele CA2573137319.